The following is an entry in ClinVar:

ClinVar aggregate classification (germline): Benign/Likely benign. Review status: criteria provided, multiple submitters, no conflicts (2 of 4 stars). 3 submissions from 3 submitters: Benign (1); Likely benign (1). 1 of the submissions does not count toward it. Last evaluated 2026-01-12.

Conditions:
CEP164-related disorder. Also called: CEP164-related condition.
Nephronophthisis 15 (NPHP15). Identifiers: Orphanet 3156, MedGen C3541853, MONDO:0013917, OMIM 614845.

Allele frequency attached by ClinVar (database versions not stated): gnomAD exomes 0.00007 and 0.00030; gnomAD 0.00013 and 0.00017; TOPMed 0.00021; ExAC 0.00023; 1000 Genomes Project 30x 0.00078; 1000 Genomes Project 0.00080.
gnomAD v4.1: 156 of 1,612,704 alleles (0.0097%); highest among the groups gnomAD compares: East Asian, 0.2%; no homozygotes.

Submissions (3):

Labcorp Genetics (formerly Invitae), Labcorp
Classification: Benign for Nephronophthisis 15. Last evaluated: 2026-01-12. Review status: criteria provided, single submitter. Criteria: Invitae Variant Classification Sherloc (09022015). Collection method: clinical testing. Allele origin: germline.

Blueprint Genetics
Classification: Likely benign. Last evaluated: 2024-11-20. Review status: criteria provided, single submitter. Criteria: ACMG Guidelines, 2015. Collection method: clinical testing. Allele origin: germline.

PreventionGenetics, part of Exact Sciences
Classification: Likely benign for CEP164-related condition. Last evaluated: 2019-09-19. Review status: no assertion criteria provided. Collection method: clinical testing. Allele origin: germline. Not counted in ClinVar's aggregate classification.
Comment: This variant is classified as likely benign based on ACMG/AMP sequence variant interpretation guidelines (Richards et al. 2015 PMID: 25741868, with internal and published modifications).

NM_014956.5(CEP164):c.828C>T (p.Ala276=)

Gene: CEP164 (centrosomal protein 164; plus strand). Cytogenetic location: 11q23.3.
Variant type: single nucleotide variant.
Coding change: c.828C>T on transcript NM_014956.5 (MANE Select); coding-DNA position 828, C replaced by T.
Protein change: p.Ala276=; no amino-acid change (alanine 276 retained).
Molecular consequence: synonymous variant.
Genome position (GRCh38, 1-based): chr11:117,371,142, C>T. VCF-style: chr11-117371142-C-T. GRCh37 (hg19) VCF-style: chr11-117241858-C-T.
Other names: c.828C>T (NM_014956.4); c.828C>T, p.Ala276= (NM_001271933.2).
Identifiers: ClinVar variation 1167931 (VCV001167931.12), dbSNP rs201125321, ClinGen allele CA6294600.